The following is an entry in ClinVar:

NM_004415.4(DSP):c.5570A>C (p.Lys1857Thr)

Gene: DSP (desmoplakin; plus strand). Cytogenetic location: 6p24.3.
Variant type: single nucleotide variant.
Coding change: c.5570A>C on transcript NM_004415.4 (MANE Select); coding-DNA position 5570, A replaced by C.
Protein change: p.Lys1857Thr; replaces lysine 1857 with threonine.
Molecular consequence: missense variant.
Genome position (GRCh38, 1-based): chr6:7,582,832, A>C. VCF-style: chr6-7582832-A-C. GRCh37 (hg19) VCF-style: chr6-7583065-A-C.
Other names: c.5570A>C (LRG_423t1); c.3773A>C, p.Lys1258Thr (NM_001008844.3); c.4241A>C, p.Lys1414Thr (NM_001319034.2); short protein forms K1857T, K1414T, K1258T.
Identifiers: ClinVar variation 427966 (VCV000427966.4), dbSNP rs1178938416, ClinGen allele CA362688913.

ClinVar aggregate classification (germline): Uncertain significance. Review status: criteria provided, multiple submitters, no conflicts (2 of 4 stars). 2 submissions from 2 submitters: Uncertain significance (2). Last evaluated 2020-01-17.

Conditions:
Cardiomyopathy (CMYO). Also called: Cardiomyopathies. Identifiers: Orphanet 167848, MedGen C0878544, MONDO:0004994, HP:0001638. Inheritance: Various modes of inheritance.
Hypertrophic cardiomyopathy. Also called: HYPERTROPHIC MYOCARDIOPATHY. Identifiers: Orphanet 217569, MedGen C0007194, MeSH D002312, MONDO:0005045, HP:0001639.

Allele frequency attached by ClinVar (database versions not stated): gnomAD exomes below 0.00001.

Submissions (2):

Color Diagnostics, LLC DBA Color Health
Classification: Uncertain significance for Cardiomyopathy. Last evaluated: 2020-01-17. Review status: criteria provided, single submitter. Criteria: ACMG Guidelines, 2015. Collection method: clinical testing. Allele origin: germline.
Comment: This missense variant replaces lysine with threonine at codon 1857 of the DSP protein. Computational prediction suggests that this variant may not impact protein structure and function (internally defined REVEL score threshold <= 0.5, PMID: 27666373). Splice site prediction tools suggest that this variant may not impact RNA splicing. To our knowledge, functional studies have not been performed for this variant. This variant has not been reported in individuals affected with cardiovascular disorders in the literature. This variant has been identified in 1/251476 chromosomes in the general population by the Genome Aggregation Database (gnomAD). The available evidence is insufficient to determine the role of this variant in disease conclusively. Therefore, this variant is classified as a Variant of Uncertain Significance.

Center for Human Genetics, University of Leuven
Classification: Uncertain significance for Hypertrophic cardiomyopathy. Last evaluated: 2017-04-30. Review status: criteria provided, single submitter. Criteria: ACMG Guidelines, 2015. Collection method: clinical testing. Allele origin: germline. Inheritance: Autosomal dominant inheritance. Affected: yes.